The following is an entry in ClinVar:

NM_006231.4(POLE):c.4907A>C (p.Tyr1636Ser)

Gene: POLE (DNA polymerase epsilon, catalytic subunit; minus strand). Cytogenetic location: 12q24.33.
Variant type: single nucleotide variant.
Coding change: c.4907A>C on transcript NM_006231.4 (MANE Select); coding-DNA position 4907, A replaced by C.
Protein change: p.Tyr1636Ser; replaces tyrosine 1636 with serine.
Molecular consequence: missense variant.
Genome position (GRCh38, 1-based): chr12:132,642,551, T>G on the plus strand (A>C on the coding strand, the complement: POLE is on the minus strand). VCF-style: chr12-132642551-T-G. GRCh37 (hg19) VCF-style: chr12-133219137-T-G.
Other names: short protein forms Y1636S.
Identifiers: ClinVar variation 473698 (VCV000473698.14), dbSNP rs1555222562, ClinGen allele CA387377954.

ClinVar aggregate classification (germline): Uncertain significance. Review status: criteria provided, multiple submitters, no conflicts (2 of 4 stars). 2 submissions from 2 submitters: Uncertain significance (2). Last evaluated 2025-04-28.

Conditions:
Hereditary cancer-predisposing syndrome. Also called: Neoplastic Syndromes, Hereditary; Tumor predisposition; Hereditary Cancer Syndrome; Hereditary neoplastic syndrome. Identifiers: Orphanet 140162, MedGen C0027672, MeSH D009386, MONDO:0015356.

Allele frequency attached by ClinVar (database versions not stated): gnomAD exomes below 0.00001; gnomAD 0.00001.
gnomAD v4.1: 2 of 1,613,302 alleles (0.00012%); highest among the groups gnomAD compares: African/African-American, 0.0013%; no homozygotes.

Submissions (2):

Labcorp Genetics (formerly Invitae), Labcorp
Classification: Uncertain significance. Last evaluated: 2025-04-28. Review status: criteria provided, single submitter. Criteria: Invitae Variant Classification Sherloc (09022015). Collection method: clinical testing. Allele origin: germline.
Comment: This sequence change replaces tyrosine, which is neutral and polar, with serine, which is neutral and polar, at codon 1636 of the POLE protein (p.Tyr1636Ser). This variant is not present in population databases (gnomAD no frequency). This variant has not been reported in the literature in individuals affected with POLE-related conditions. ClinVar contains an entry for this variant (Variation ID: 473698). Invitae Evidence Modeling of protein sequence and biophysical properties (such as structural, functional, and spatial information, amino acid conservation, physicochemical variation, residue mobility, and thermodynamic stability) has been performed for this missense variant. However, the output from this modeling did not meet the statistical confidence thresholds required to predict the impact of this variant on POLE protein function. In summary, the available evidence is currently insufficient to determine the role of this variant in disease. Therefore, it has been classified as a Variant of Uncertain Significance.

Ambry Genetics
Classification: Uncertain significance for Hereditary cancer-predisposing syndrome. Last evaluated: 2025-03-24. Review status: criteria provided, single submitter. Criteria: Ambry Variant Classification Scheme 2023. Collection method: clinical testing. Allele origin: germline.
Comment: The p.Y1636S variant (also known as c.4907A>C), located in coding exon 37 of the POLE gene, results from an A to C substitution at nucleotide position 4907. The tyrosine at codon 1636 is replaced by serine, an amino acid with dissimilar properties. This amino acid position is conserved. In addition, the in silico prediction for this alteration is inconclusive. Based on the available evidence, the clinical significance of this variant remains unclear.